The following is an entry in ClinVar:

ClinVar aggregate classification (germline): Uncertain significance (1 of 4 stars; one submission).

Submission:

Dasa
Classification: Uncertain significance. Last evaluated: 2025-03-22. Review status: criteria provided, single submitter. Criteria: DASA Assertion Criteria. Collection method: clinical testing. Allele origin: germline.
Comment: NM_033337.3(CAV3):c.262T>G (p.Trp88Gly) is a missense variant that results in the substitution of tryptophan with glycine. This variant is absent from population databases. Computational prediction algorithms are consistent with a deleterious effect. The currently available literature and clinical evidence are not sufficient to establish a definitive association between this variant and the reported condition. Therefore, this variant is classified as a variant of uncertain significance.

NM_033337.3(CAV3):c.262T>G (p.Trp88Gly)

Genes: CAV3 (caveolin 3; plus strand), OXTR (oxytocin receptor; minus strand). Cytogenetic location: 3p25.3.
Variant type: single nucleotide variant.
Coding change: c.262T>G on transcript NM_033337.3 (MANE Select); coding-DNA position 262, T replaced by G.
Protein change: p.Trp88Gly; replaces tryptophan 88 with glycine.
Molecular consequence: missense variant.
Genome position (GRCh38, 1-based): chr3:8,745,673, T>G. VCF-style: chr3-8745673-T-G. GRCh37 (hg19) VCF-style: chr3-8787359-T-G.
Other names: c.262T>G, p.Trp88Gly (NM_001234.5); short protein forms W88G.
Identifiers: ClinVar variation 4882157 (VCV004882157.2).
Genomic context (GRCh38, chr3:8,745,673, plus strand): 5'-TCCAAGTACTGGTGCTACCGTCTGTTGTCCACGCTGCTGGGCGTCCCACTGGCCCTGCTC[T>G]GGGGCTTCCTGTTCGCCTGCATCTCCTTCTGCCACATCTGGGCGGTGGTGCCATGCATTA-3'
Protein context (NP_203123.1, residues 78-98): TLLGVPLALL[Trp88Gly]GFLFACISFC